The following is an entry in ClinVar:

NM_001079802.2(FKTN):c.1225_1236delinsTT (p.Val409fs)

Gene: FKTN (fukutin; plus strand). Cytogenetic location: 9q31.2.
Variant type: Indel.
Coding change: c.1225_1236delinsTT on transcript NM_001079802.2 (MANE Select); coding-DNA positions 1225 to 1236, GTCCATGTACCC replaced by TT.
Protein change: p.Val409fs; shifts the reading frame from valine 409.
Molecular consequence: frameshift variant. On other transcripts: 3 prime UTR variant (1), non-coding transcript variant (2).
Genome position (GRCh38, 1-based): chr9:105,635,103-105,635,114, GTCCATGTACCC replaced by TT. VCF-style: chr9-105635103-GTCCATGTACCC-TT. GRCh37 (hg19) VCF-style: chr9-108397384-GTCCATGTACCC-TT.
Other names: c.1225_1236delinsTT, p.Val409fs (NM_001198963.2, NM_001351496.2, NM_006731.2); c.1156_1167delinsTT, p.Val386fs (NM_001351497.2); c.*17_*28delinsTT (NM_001351498.2); c.829_840delinsTT, p.Val277fs (NM_001351499.2, NM_001351500.2, NM_001351501.2 and 1 more transcripts); short protein forms V277fs, V386fs, V409fs.
Identifiers: ClinVar variation 972596 (VCV000972596.6), dbSNP rs1833929015, ClinGen allele CA1139661116.
Genomic context (GRCh38, chr9:105,635,103, plus strand): 5'-TGCTGCAGATACCTGTTTCCGAAGTTTACACTGTGCTGGACTGAGTTTGTAGACATGAAG[GTCCATGTACCC>TT]TGTGAAACCCTCGAATACATTGAAGCCAACTATGGTAAGACCTGGAAGATTCCTGTAAAG-3'

ClinVar aggregate classification (germline): Uncertain significance (1 of 4 stars; one submission).

Conditions:
Walker-Warburg congenital muscular dystrophy. Also called: Muscular dystrophy-dystroglycanopathy, type A; Walker-Warburg syndrome. Identifiers: Orphanet 899, MedGen C0265221, MONDO:0000171.

Submission:

Labcorp Genetics (formerly Invitae), Labcorp
Classification: Uncertain significance for Walker-Warburg congenital muscular dystrophy. Last evaluated: 2023-12-11. Review status: criteria provided, single submitter. Criteria: Invitae Variant Classification Sherloc (09022015). Collection method: clinical testing. Allele origin: germline.
Comment: This sequence change creates a premature translational stop signal (p.Val409Phefs*20) in the FKTN gene. While this is not anticipated to result in nonsense mediated decay, it is expected to disrupt the last 53 amino acid(s) of the FKTN protein. This variant is not present in population databases (gnomAD no frequency). This variant has not been reported in the literature in individuals affected with FKTN-related conditions. This variant disrupts a region of the FKTN protein in which other variant(s) (p.Asn442Ser) have been observed in individuals with FKTN-related conditions (PMID: 28785732). This suggests that this is a clinically significant region of the protein, and that variants that disrupt it are likely to be disease-causing. In summary, the available evidence is currently insufficient to determine the role of this variant in disease. Therefore, it has been classified as a Variant of Uncertain Significance.

Literature cited by the submitters: PubMed 28785732.